The following is an entry in ClinVar:

ClinVar aggregate classification (germline): Uncertain significance (1 of 4 stars; one submission).

Allele frequency attached by ClinVar (database versions not stated): gnomAD exomes below 0.00001.
gnomAD v4.1: 5 of 1,613,640 alleles (0.00031%); highest among the groups gnomAD compares: Middle Eastern, 0.017%; no homozygotes.

Submission:

GeneDx
Classification: Uncertain significance. Last evaluated: 2015-05-28. Review status: criteria provided, single submitter. Criteria: GeneDx Variant Classification (06012015). Collection method: clinical testing. Allele origin: germline. Affected: yes.
Comment: The E465K variant in the PCNT gene has not been published as a pathogenic variant, nor has it been reported as a benign polymorphism to our knowledge. The E465K variant was not observed in approximately 6500 individuals of European and African American ancestry in the NHLBI Exome Sequencing Project, indicating it is not a common variant in these populations. The E465K variant is a non-conservative amino acid substitution, which is likely to impact secondary protein structure as these residues differ in polarity, charge, size and/or other properties. This substitution occurs at a position that is conserved across species. In silico analysis is inconsistent in its predictions as to whether or not the variant is damaging to the protein structure/function. We interpret E465K as a variant of unknown significance.

NM_006031.6(PCNT):c.1393G>A (p.Glu465Lys)

Gene: PCNT (pericentrin; plus strand). Cytogenetic location: 21q22.3.
Variant type: single nucleotide variant.
Coding change: c.1393G>A on transcript NM_006031.6 (MANE Select); coding-DNA position 1393, G replaced by A.
Protein change: p.Glu465Lys; replaces glutamic acid 465 with lysine.
Molecular consequence: missense variant.
Genome position (GRCh38, 1-based): chr21:46,351,477, G>A. VCF-style: chr21-46351477-G-A. GRCh37 (hg19) VCF-style: chr21-47771391-G-A.
Other names: c.1039G>A, p.Glu347Lys (NM_001315529.2); short protein forms E465K, E347K.
Identifiers: ClinVar variation 449220 (VCV000449220.2), dbSNP rs1555953206, ClinGen allele CA410558173.